The following is an entry in ClinVar:

NM_000497.4(CYP11B1):c.745dup (p.Ser249fs)

Genes: CYP11B1 (cytochrome P450 family 11 subfamily B member 1; minus strand), LOC106799833 (CYP11B1 recombination region; plus strand). Cytogenetic location: 8q24.3.
Variant type: Duplication.
Coding change: c.745dup on transcript NM_000497.4 (MANE Select); coding-DNA position 745, one base duplicated (A; older notation c.745dupA).
Protein change: p.Ser249fs; shifts the reading frame from serine 249.
Molecular consequence: frameshift variant.
Genome position (GRCh38, 1-based): chr8:142,876,736, T duplicated on the plus strand (A on the coding strand, the reverse complement: CYP11B1 is on the minus strand). VCF-style (leftmost placement, unchanged base first): chr8-142876735-C-CT. GRCh37 (hg19) VCF-style: chr8-143958151-C-CT.
Other names: c.745dup, p.Ser249fs (NM_001026213.1); short protein forms S249fs.
Identifiers: ClinVar variation 5012010 (VCV005012010.1).

ClinVar aggregate classification (germline): Pathogenic (1 of 4 stars; one submission).

Conditions:
Deficiency of steroid 11-beta-monooxygenase (CYP11B1). Also called: ADRENAL HYPERPLASIA, CONGENITAL, DUE TO STEROID 11-BETA-HYDROXYLASE DEFICIENCY; 11-BETA-HYDROXYLASE DEFICIENCY; ADRENAL HYPERPLASIA IV; P450C11B1 DEFICIENCY; STEROID 11-BETA-HYDROXYLASE DEFICIENCY; Congenital adrenal hyperplasia due to 11-beta-hydroxylase deficiency. Identifiers: Orphanet 90795, MedGen C0268292, MONDO:0008729, OMIM 202010. Disease mechanism: loss of function.

Submission:

Myriad Genetics, Inc.
Classification: Pathogenic for Deficiency of steroid 11-beta-monooxygenase. Last evaluated: 2023-09-27. Review status: criteria provided, single submitter. Criteria: Myriad Autosomal Dominant, Autosomal Recessive and X-Linked Classification Criteria (2023). Collection method: clinical testing. Allele origin: unknown.
Comment: NM_000497.3(CYP11B1):c.745dupA(S249Kfs*10) is expected to be pathogenic in the context of congenital adrenal hyperplasia, CYP11B1-related. This variant is predicted to lead to an abnormal or absent protein product due to the creation of a premature termination codon in CYP11B1, a gene where loss-of-function variants are known to be pathogenic. Please note: this variant was assessed in the context of healthy population screening.